The following is an entry in ClinVar:

ClinVar aggregate classification (germline): Uncertain significance (1 of 4 stars; one submission).

Submission:

Labcorp Genetics (formerly Invitae), Labcorp
Classification: Uncertain significance. Last evaluated: 2021-06-24. Review status: criteria provided, single submitter. Criteria: Invitae Variant Classification Sherloc (09022015). Collection method: clinical testing. Allele origin: germline.
Comment: This sequence change replaces alanine with aspartic acid at codon 183 of the TMEM38B protein (p.Ala183Asp). The alanine residue is weakly conserved and there is a moderate physicochemical difference between alanine and aspartic acid. This variant is not present in population databases (ExAC no frequency). This variant has not been reported in the literature in individuals with TMEM38B-related conditions. Algorithms developed to predict the effect of missense changes on protein structure and function (SIFT, PolyPhen-2, Align-GVGD) all suggest that this variant is likely to be tolerated, but these predictions have not been confirmed by published functional studies and their clinical significance is uncertain. In summary, the available evidence is currently insufficient to determine the role of this variant in disease. Therefore, it has been classified as a Variant of Uncertain Significance.

NM_018112.3(TMEM38B):c.548C>A (p.Ala183Asp)

Gene: TMEM38B (transmembrane protein 38B; plus strand). Cytogenetic location: 9q31.2.
Variant type: single nucleotide variant.
Coding change: c.548C>A on transcript NM_018112.3 (MANE Select); coding-DNA position 548, C replaced by A.
Protein change: p.Ala183Asp; replaces alanine 183 with aspartic acid.
Molecular consequence: missense variant.
Genome position (GRCh38, 1-based): chr9:105,748,078, C>A. VCF-style: chr9-105748078-C-A. GRCh37 (hg19) VCF-style: chr9-108510359-C-A.
Other names: short protein forms A183D.
Identifiers: ClinVar variation 1358740 (VCV001358740.8), dbSNP rs2133618440, ClinGen allele CA374380955.